The following is an entry in ClinVar:

ClinVar aggregate classification (germline): Pathogenic (1 of 4 stars; one submission).

Submission:

Labcorp Genetics (formerly Invitae), Labcorp
Classification: Pathogenic. Last evaluated: 2024-10-25. Review status: criteria provided, single submitter. Criteria: Invitae Variant Classification Sherloc (09022015). Collection method: clinical testing. Allele origin: germline.
Comment: This sequence change creates a premature translational stop signal (p.Leu876Glufs*28) in the SIN3A gene. It is expected to result in an absent or disrupted protein product. Loss-of-function variants in SIN3A are known to be pathogenic (PMID: 27399968). This variant is not present in population databases (gnomAD no frequency). This variant has not been reported in the literature in individuals affected with SIN3A-related conditions. For these reasons, this variant has been classified as Pathogenic.

Literature cited by the submitters: PubMed 27399968.

NM_001145358.2(SIN3A):c.2626_2629del (p.Leu876fs)

Gene: SIN3A (SIN3 transcription regulator family member A; minus strand). Cytogenetic location: 15q24.2.
Variant type: Deletion.
Coding change: c.2626_2629del on transcript NM_001145358.2 (MANE Select); coding-DNA positions 2626 to 2629, 4 bases deleted (TTAA; older notation c.2626_2629delTTAA).
Protein change: p.Leu876fs; shifts the reading frame from leucine 876.
Molecular consequence: frameshift variant.
Genome position (GRCh38, 1-based): chr15:75,392,464-75,392,467, TTAA deleted on the plus strand (TTAA on the coding strand, the reverse complement: SIN3A is on the minus strand); deleting any 4 consecutive bases within chr15:75,392,464-75,392,469 gives the same sequence; the c. name uses the placement nearest the transcript's 3' end. VCF-style (leftmost placement, unchanged base first): chr15-75392463-CTTAA-C. GRCh37 (hg19) VCF-style: chr15-75684804-CTTAA-C.
Other names: c.2626_2629del, p.Leu876fs (NM_001145357.2, NM_015477.3); short protein forms L876fs.
Identifiers: ClinVar variation 3723788 (VCV003723788.2).